The following is an entry in ClinVar:

NM_006506.5(RASA2):c.932_934del (p.Leu311_Asn312delinsTyr)

Gene: RASA2 (RAS p21 protein activator 2; plus strand). Cytogenetic location: 3q23.
Variant type: Deletion.
Coding change: c.932_934del on transcript NM_006506.5 (MANE Select); coding-DNA positions 932 to 934, 3 bases deleted (TAA; older notation c.932_934delTAA).
Protein change: p.Leu311_Asn312delinsTyr.
Molecular consequence: inframe indel.
Genome position (GRCh38, 1-based): chr3:141,570,980-141,570,982, TAA deleted. VCF-style (leftmost placement, unchanged base first): chr3-141570979-TTAA-T. GRCh37 (hg19) VCF-style: chr3-141289821-TTAA-T.
Other names: c.932_934del, p.Leu311_Asn312delinsTyr (NM_001303245.3, NM_001303246.3).
Identifiers: ClinVar variation 933167 (VCV000933167.1), dbSNP rs2082909407, ClinGen allele CA1139658282.

ClinVar aggregate classification (germline): Uncertain significance (1 of 4 stars; one submission).

Submission:

Women's Health and Genetics/Laboratory Corporation of America, LabCorp
Classification: Uncertain significance. Last evaluated: 2020-06-01. Review status: criteria provided, single submitter. Criteria: LabCorp Variant Classification Summary - May 2015. Collection method: clinical testing. Allele origin: germline.
Comment: Variant summary: RASA2 c.932_934delTAA (p.Leu311_Asn312delinsTyr) results in an in-frame deletion-insertion that is predicted to delete 2 amino acids and insert one amino acid from the protein. The variant was absent in 249932 control chromosomes. The available data on variant occurrences in the general population are insufficient to allow any conclusion about variant significance. To our knowledge, no occurrence of c.932_934delTAA in individuals affected with Noonan Syndrome And Related Conditions and no experimental evidence demonstrating its impact on protein function have been reported. No clinical diagnostic laboratories have submitted clinical-significance assessments for this variant to ClinVar after 2014. Based on the evidence outlined above, the variant was classified as uncertain significance.